The following is an entry in ClinVar:

NM_015100.4(POGZ):c.4121C>G (p.Ser1374Cys)

Gene: POGZ (pogo transposable element derived with ZNF domain; minus strand). Cytogenetic location: 1q21.3.
Variant type: single nucleotide variant.
Coding change: c.4121C>G on transcript NM_015100.4 (MANE Select); coding-DNA position 4121, C replaced by G.
Protein change: p.Ser1374Cys; replaces serine 1374 with cysteine.
Molecular consequence: missense variant.
Genome position (GRCh38, 1-based): chr1:151,404,914, G>C on the plus strand (C>G on the coding strand, the complement: POGZ is on the minus strand). VCF-style: chr1-151404914-G-C. GRCh37 (hg19) VCF-style: chr1-151377390-G-C.
Other names: c.4094C>G, p.Ser1365Cys (NM_001194937.2); c.3935C>G, p.Ser1312Cys (NM_001194938.2); c.4142C>G, p.Ser1381Cys (NM_001410860.1); c.3836C>G, p.Ser1279Cys (NM_145796.4); c.3962C>G, p.Ser1321Cys (NM_207171.2); short protein forms S1279C, S1312C, S1321C, S1365C, S1374C, S1381C.
Identifiers: ClinVar variation 2499258 (VCV002499258.1), dbSNP rs374207073, ClinGen allele CA341934149.
Genomic context (GRCh38, chr1:151,404,914, plus strand): 5'-GTCTCACTTTCACCCTCAAAGAGCTGGTGAAGACTTTCAGGCTCAATTGTCTCTTCAGGA[G>C]ATGATCTGGGTCGTGGAGTGGAAGACTCAGAATGTTCCCCACTCAGCTTCAGTTGCTCCT-3'
Protein context (NP_055915.2, residues 1364-1384): SESSTPRPRS[Ser1374Cys]PEETIEPESL

ClinVar aggregate classification (germline): Likely benign (1 of 4 stars; one submission).

Submission:

GeneDx
Classification: Likely benign. Last evaluated: 2023-02-02. Review status: criteria provided, single submitter. Criteria: GeneDx Variant Classification Process June 2021. Collection method: clinical testing. Allele origin: germline. Affected: yes.
Comment: Not observed at significant frequency in large population cohorts (gnomAD); In silico analysis supports that this missense variant does not alter protein structure/function; Has not been previously published as pathogenic or benign to our knowledge